The following is an entry in ClinVar:

ClinVar aggregate classification (germline): Uncertain significance (1 of 4 stars; one submission).

Conditions:
Catecholaminergic polymorphic ventricular tachycardia 1. Also called: VENTRICULAR TACHYCARDIA, STRESS-INDUCED POLYMORPHIC 1; RYR2-Related Catecholaminergic Polymorphic Ventricular Tachycardia; VENTRICULAR TACHYCARDIA, CATECHOLAMINERGIC POLYMORPHIC, 1, WITH OR WITHOUT ATRIAL DYSFUNCTION AND/OR DILATED CARDIOMYOPATHY. Identifiers: Orphanet 3286, MedGen C1631597, MONDO:0011484, OMIM 604772.

Submission:

Labcorp Genetics (formerly Invitae), Labcorp
Classification: Uncertain significance for Catecholaminergic polymorphic ventricular tachycardia 1. Last evaluated: 2025-08-13. Review status: criteria provided, single submitter. Criteria: Invitae Variant Classification Sherloc (09022015). Collection method: clinical testing. Allele origin: germline.
Comment: This sequence change replaces valine, which is neutral and non-polar, with leucine, which is neutral and non-polar, at codon 538 of the TRDN protein (p.Val538Leu). This variant is not present in population databases (gnomAD no frequency). This variant has not been reported in the literature in individuals affected with TRDN-related conditions. Invitae Evidence Modeling of protein sequence and biophysical properties (such as structural, functional, and spatial information, amino acid conservation, physicochemical variation, residue mobility, and thermodynamic stability) indicates that this missense variant is not expected to disrupt TRDN protein function with a negative predictive value of 80%. In summary, the available evidence is currently insufficient to determine the role of this variant in disease. Therefore, it has been classified as a Variant of Uncertain Significance.

NM_006073.4(TRDN):c.1612G>T (p.Val538Leu)

Gene: TRDN (triadin; minus strand). Cytogenetic location: 6q22.31.
Variant type: single nucleotide variant.
Coding change: c.1612G>T on transcript NM_006073.4 (MANE Select); coding-DNA position 1612, G replaced by T.
Protein change: p.Val538Leu; replaces valine 538 with leucine.
Molecular consequence: missense variant.
Genome position (GRCh38, 1-based): chr6:123,273,349, C>A on the plus strand (G>T on the coding strand, the complement: TRDN is on the minus strand). VCF-style: chr6-123273349-C-A. GRCh37 (hg19) VCF-style: chr6-123594494-C-A.
Other names: short protein forms V538L.
Identifiers: ClinVar variation 4798938 (VCV004798938.1).